The following is an entry in ClinVar:

NM_015653.5(RIBC2):c.-144C>A

Gene: RIBC2 (RIB43A domain with coiled-coils 2; plus strand). Cytogenetic location: 22q13.31.
Variant type: single nucleotide variant.
Coding change: c.-144C>A on transcript NM_015653.5 (MANE Select); 144 bases upstream of the start codon, C replaced by A.
Molecular consequence: 5 prime UTR variant.
Genome position (GRCh38, 1-based): chr22:45,413,743, C>A. VCF-style: chr22-45413743-C-A. GRCh37 (hg19) VCF-style: chr22-45809624-C-A.
Identifiers: ClinVar variation 1241132 (VCV001241132.3), dbSNP rs2272804, ClinGen allele CA14953201.

ClinVar aggregate classification (germline): Benign. Review status: criteria provided, multiple submitters, no conflicts (2 of 4 stars). 2 submissions from 2 submitters: Benign (2). Last evaluated 2020-07-15.

Allele frequency attached by ClinVar (database versions not stated): TOPMed 0.51550; 1000 Genomes Project 0.58646; 1000 Genomes Project 30x 0.58869.
gnomAD v4.1: 557,825 of 1,266,372 alleles (44%); highest among the groups gnomAD compares: African/African-American, 71%; 127,701 homozygotes.

Submissions (2):

GeneDx
Classification: Benign. Last evaluated: 2020-07-15. Review status: criteria provided, single submitter. Criteria: GeneDx Variant Classification Process June 2021. Collection method: clinical testing. Allele origin: germline. Affected: yes.
Comment: This variant is associated with the following publications: (PMID: 32329860)

Breakthrough Genomics
Classification: Benign. Review status: criteria provided, single submitter. Criteria: ACMG Guidelines, 2015. Collection method: not provided. Allele origin: germline. Inheritance: Unknown mechanism. Affected: yes.